The following is an entry in ClinVar:

ClinVar aggregate classification (germline): Uncertain significance (1 of 4 stars; one submission).

Allele frequency attached by ClinVar (database versions not stated): TOPMed 0.00005; gnomAD 0.00007; gnomAD exomes below 0.00001 and 0.00001.
gnomAD v4.1: 12 of 1,548,646 alleles (0.00077%); highest among the groups gnomAD compares: Admixed American, 0.022%; no homozygotes.

Submission:

GeneDx
Classification: Uncertain significance. Last evaluated: 2021-05-18. Review status: criteria provided, single submitter. Criteria: GeneDx Variant Classification Process June 2021. Collection method: clinical testing. Allele origin: germline. Affected: yes.
Comment: Has not been previously published as pathogenic or benign to our knowledge; In silico analysis, which includes protein predictors and evolutionary conservation, supports that this variant does not alter protein structure/function

NM_001112741.2(KCNC1):c.1670C>T (p.Pro557Leu)

Gene: KCNC1 (potassium voltage-gated channel subfamily C member 1; plus strand). Cytogenetic location: 11p15.1.
Variant type: single nucleotide variant.
Coding change: c.1670C>T on transcript NM_001112741.2 (MANE Select); coding-DNA position 1670, C replaced by T.
Protein change: p.Pro557Leu; replaces proline 557 with leucine.
Molecular consequence: missense variant.
Genome position (GRCh38, 1-based): chr11:17,779,621, C>T. VCF-style: chr11-17779621-C-T. GRCh37 (hg19) VCF-style: chr11-17801168-C-T.
Other names: short protein forms P557L.
Identifiers: ClinVar variation 422256 (VCV000422256.4), dbSNP rs1064795663, ClinGen allele CA16619298.